The following is an entry in ClinVar:

NM_001282116.2(RFX3):c.1553A>C (p.Gln518Pro)

Gene: RFX3 (regulatory factor X3; minus strand). Cytogenetic location: 9p24.2.
Variant type: single nucleotide variant.
Coding change: c.1553A>C on transcript NM_001282116.2 (MANE Select); coding-DNA position 1553, A replaced by C.
Protein change: p.Gln518Pro; replaces glutamine 518 with proline.
Molecular consequence: missense variant.
Genome position (GRCh38, 1-based): chr9:3,262,987, T>G on the plus strand (A>C on the coding strand, the complement: RFX3 is on the minus strand). VCF-style: chr9-3262987-T-G. GRCh37 (hg19) VCF-style: chr9-3262987-T-G.
Other names: c.1553A>C, p.Gln518Pro (NM_001377999.1, NM_002919.4, NM_134428.3); short protein forms Q518P.
Identifiers: ClinVar variation 3602438 (VCV003602438.1).

ClinVar aggregate classification (germline): Uncertain significance (1 of 4 stars; one submission).

Submission:

GeneDx
Classification: Uncertain significance. Last evaluated: 2024-07-30. Review status: criteria provided, single submitter. Criteria: GeneDx Variant Classification Process June 2021. Collection method: clinical testing. Allele origin: germline. Affected: yes.
Comment: Not observed at significant frequency in large population cohorts (gnomAD); In silico analysis supports that this missense variant has a deleterious effect on protein structure/function; Has not been previously published as pathogenic or benign to our knowledge